The following is an entry in ClinVar:

ClinVar aggregate classification (germline): Pathogenic (1 of 4 stars; one submission).

Conditions:
Hereditary cancer-predisposing syndrome. Also called: Neoplastic Syndromes, Hereditary; Hereditary Cancer Syndrome; Hereditary neoplastic syndrome; Tumor predisposition. Identifiers: Orphanet 140162, MedGen C0027672, MeSH D009386, MONDO:0015356.

Submission:

Ambry Genetics
Classification: Pathogenic for Hereditary cancer-predisposing syndrome. Last evaluated: 2026-05-06. Review status: criteria provided, single submitter. Criteria: Ambry Variant Classification Scheme 2023. Collection method: clinical testing. Allele origin: germline.
Comment: The c.531delC variant, located in coding exon 4 of the FH gene, results from a deletion of one nucleotide at nucleotide position 531, causing a translational frameshift with a predicted alternate stop codon (p.N178Tfs*24). This variant was reported in individual(s) with features consistent with FH-related tumor predisposition (Ambry internal data). This variant is considered to be rare based on population cohorts in the Genome Aggregation Database (gnomAD). This alteration is expected to result in loss of function by premature protein truncation or nonsense-mediated mRNA decay. As such, this alteration is interpreted as a disease-causing mutation.

NM_000143.4(FH):c.531del (p.Asn178fs)

Gene: FH (fumarate hydratase; minus strand). Cytogenetic location: 1q43.
Variant type: Deletion.
Coding change: c.531del on transcript NM_000143.4 (MANE Select); coding-DNA position 531, one base deleted (C; older notation c.531delC).
Protein change: p.Asn178fs; shifts the reading frame from asparagine 178.
Molecular consequence: frameshift variant.
Genome position (GRCh38, 1-based): chr1:241,511,991, G deleted on the plus strand (C on the coding strand, the reverse complement: FH is on the minus strand); the first of 3 consecutive G bases (chr1:241,511,991-241,511,993); deleting any one gives the same sequence. VCF-style (leftmost placement, unchanged base first): chr1-241511990-TG-T. GRCh37 (hg19) VCF-style: chr1-241675290-TG-T.
Other names: c.531delC (NM_000143.3); short protein forms N178fs.
Identifiers: ClinVar variation 4871329 (VCV004871329.1).